The following is an entry in ClinVar:

ClinVar aggregate classification (germline): Uncertain significance (1 of 4 stars; one submission).

Conditions:
Juvenile polyposis syndrome (JPS). Identifiers: Orphanet 2929, MedGen C0345893, MONDO:0017380, OMIM 174900.

Submission:

Labcorp Genetics (formerly Invitae), Labcorp
Classification: Uncertain significance for Juvenile polyposis syndrome. Last evaluated: 2024-03-27. Review status: criteria provided, single submitter. Criteria: Invitae Variant Classification Sherloc (09022015). Collection method: clinical testing. Allele origin: germline.
Comment: This sequence change replaces cysteine, which is neutral and slightly polar, with phenylalanine, which is neutral and non-polar, at codon 100 of the BMPR1A protein (p.Cys100Phe). This variant is not present in population databases (gnomAD no frequency). This missense change has been observed in individual(s) with Juvenile polyposis syndrome (Invitae). Advanced modeling of protein sequence and biophysical properties (such as structural, functional, and spatial information, amino acid conservation, physicochemical variation, residue mobility, and thermodynamic stability) has been performed at Invitae for this missense variant, however the output from this modeling did not meet the statistical confidence thresholds required to predict the impact of this variant on BMPR1A protein function. This variant disrupts the p.Cys100 amino acid residue in BMPR1A. Other variant(s) that disrupt this residue have been observed in individuals with BMPR1A-related conditions (PMID: 33032550), which suggests that this may be a clinically significant amino acid residue. In summary, the available evidence is currently insufficient to determine the role of this variant in disease. Therefore, it has been classified as a Variant of Uncertain Significance.

Literature cited by the submitters: PubMed 33032550.

NM_004329.3(BMPR1A):c.299G>T (p.Cys100Phe)

Gene: BMPR1A (bone morphogenetic protein receptor type 1A; plus strand). Cytogenetic location: 10q23.2.
Variant type: single nucleotide variant.
Coding change: c.299G>T on transcript NM_004329.3 (MANE Select); coding-DNA position 299, G replaced by T.
Protein change: p.Cys100Phe; replaces cysteine 100 with phenylalanine.
Molecular consequence: missense variant. On other transcripts: non-coding transcript variant (3).
Genome position (GRCh38, 1-based): chr10:86,892,195, G>T. VCF-style: chr10-86892195-G-T. GRCh37 (hg19) VCF-style: chr10-88651952-G-T.
Other names: c.299G>T, p.Cys100Phe (NM_001406559.1, NM_001406560.1, NM_001406561.1 and 23 more transcripts); c.215G>T, p.Cys72Phe (NM_001406584.1, NM_001406585.1, NM_001406586.1 and 2 more transcripts); short protein forms C72F, C100F.
Identifiers: ClinVar variation 3647921 (VCV003647921.2).